The following is an entry in ClinVar:

NM_032043.3(BRIP1):c.2247A>G (p.Lys749=)

Gene: BRIP1 (BRCA1 interacting DNA helicase 1; minus strand). Cytogenetic location: 17q23.2.
Variant type: single nucleotide variant.
Coding change: c.2247A>G on transcript NM_032043.3 (MANE Select); coding-DNA position 2247, A replaced by G.
Protein change: p.Lys749=; no amino-acid change (lysine 749 retained).
Molecular consequence: synonymous variant.
Genome position (GRCh38, 1-based): chr17:61,744,442, T>C on the plus strand (A>G on the coding strand, the complement: BRIP1 is on the minus strand). VCF-style: chr17-61744442-T-C. GRCh37 (hg19) VCF-style: chr17-59821803-T-C.
Identifiers: ClinVar variation 1556202 (VCV001556202.10), dbSNP rs587782556, ClinGen allele CA501151208.

ClinVar aggregate classification (germline): Benign/Likely benign. Review status: criteria provided, multiple submitters, no conflicts (2 of 4 stars). 2 submissions from 2 submitters: Benign (1); Likely benign (1). Last evaluated 2024-09-03.

Conditions:
Familial cancer of breast. Also called: hereditary breast carcinoma; BREAST CANCER, FAMILIAL; Hereditary breast cancer. Identifiers: Orphanet 227535, MedGen C0346153, MONDO:0016419, OMIM 114480. Disease mechanism: loss of function.
Fanconi anemia complementation group J. Also called: BRIP1-Related Fanconi Anemia. Identifiers: Orphanet 84, MedGen C1836860, MONDO:0012187, OMIM 609054.

gnomAD v4.1: 2 of 1,613,870 alleles (0.00012%); highest among the groups gnomAD compares: Non-Finnish European, 0.000085%; no homozygotes.

Submissions (2):

Myriad Genetics, Inc.
Classification: Benign for Familial cancer of breast. Last evaluated: 2024-09-03. Review status: criteria provided, single submitter. Criteria: Myriad Autosomal Dominant, Autosomal Recessive and X-Linked Classification Criteria (2023). Collection method: clinical testing. Allele origin: unknown.
Comment: This variant is considered benign. This variant is a silent/synonymous amino acid change and it is not expected to impact splicing.

Labcorp Genetics (formerly Invitae), Labcorp
Classification: Likely benign for Familial cancer of breast; Fanconi anemia complementation group J. Last evaluated: 2021-05-03. Review status: criteria provided, single submitter. Criteria: Invitae Variant Classification Sherloc (09022015). Collection method: clinical testing. Allele origin: germline.